The following is an entry in ClinVar:

NM_001353345.2(SETD1B):c.5542G>A (p.Ala1848Thr)

Gene: SETD1B (SET domain containing 1B, histone lysine methyltransferase; plus strand). Cytogenetic location: 12q24.31.
Variant type: single nucleotide variant.
Coding change: c.5542G>A on transcript NM_001353345.2 (MANE Select); coding-DNA position 5542, G replaced by A.
Protein change: p.Ala1848Thr; replaces alanine 1848 with threonine.
Molecular consequence: missense variant.
Genome position (GRCh38, 1-based): chr12:121,827,807, G>A. VCF-style: chr12-121827807-G-A. GRCh37 (hg19) VCF-style: chr12-122265713-G-A.
Other names: short protein forms A1848T.
Identifiers: ClinVar variation 1675519 (VCV001675519.33), dbSNP rs758989488, ClinGen allele CA6839306.
Genomic context (GRCh38, chr12:121,827,807, plus strand): 5'-AAGCTCAAGTTCTGCAAGAGCCACATTCACGACTGGGGCTTGTTCGCCATGGAGCCCATC[G>A]CGGCTGACGAGATGGTCATCGAGTACGTGGGCCAGAATATCCGTCAGGTAGGCACCGCCC-3'
Protein context (NP_001340274.1, residues 1838-1858): DWGLFAMEPI[Ala1848Thr]ADEMVIEYVG

ClinVar aggregate classification (germline): Uncertain significance (1 of 4 stars; one submission).

Allele frequency attached by ClinVar (database versions not stated): gnomAD exomes below 0.00001 and 0.00001; ExAC 0.00004.
gnomAD v4.1: 1 of 1,559,610 alleles (0.000064%); highest among the groups gnomAD compares: Non-Finnish European, 0.000087%; no homozygotes.

Submission:

CeGaT Center for Human Genetics Tuebingen
Classification: Uncertain significance. Last evaluated: 2022-03-01. Review status: criteria provided, single submitter. Criteria: CeGaT Center For Human Genetics Tuebingen Variant Classification Criteria Version 2. Collection method: clinical testing. Allele origin: germline. Affected: yes. Observed: 1 variant allele.
Comment: SETD1B: PM2, PP2, PP3